The following is an entry in ClinVar:

ClinVar aggregate classification (germline): Uncertain significance. Review status: criteria provided, multiple submitters, no conflicts (2 of 4 stars). 2 submissions from 2 submitters: Uncertain significance (2). Last evaluated 2025-01-05.

Conditions:
LAMA2-related muscular dystrophy (LAMA2-RD). Also called: Laminin alpha 2-related dystrophy. Identifiers: MedGen C5679788, MONDO:0100228.

Allele frequency attached by ClinVar (database versions not stated): gnomAD 0.00001; TOPMed 0.00002.
gnomAD v4.1: 1 of 1,613,980 alleles (0.000062%); highest among the groups gnomAD compares: African/African-American, 0.0013%; no homozygotes.

Submissions (2):

Labcorp Genetics (formerly Invitae), Labcorp
Classification: Uncertain significance for LAMA2-related muscular dystrophy. Last evaluated: 2025-01-05. Review status: criteria provided, single submitter. Criteria: Invitae Variant Classification Sherloc (09022015). Collection method: clinical testing. Allele origin: germline.
Comment: This sequence change replaces alanine, which is neutral and non-polar, with valine, which is neutral and non-polar, at codon 2920 of the LAMA2 protein (p.Ala2920Val). This variant is not present in population databases (gnomAD no frequency). This variant has not been reported in the literature in individuals affected with LAMA2-related conditions. ClinVar contains an entry for this variant (Variation ID: 1305929). Invitae Evidence Modeling of protein sequence and biophysical properties (such as structural, functional, and spatial information, amino acid conservation, physicochemical variation, residue mobility, and thermodynamic stability) indicates that this missense variant is not expected to disrupt LAMA2 protein function with a negative predictive value of 95%. In summary, the available evidence is currently insufficient to determine the role of this variant in disease. Therefore, it has been classified as a Variant of Uncertain Significance.

GeneDx
Classification: Uncertain significance. Last evaluated: 2019-05-21. Review status: criteria provided, single submitter. Criteria: GeneDx Variant Classification Process June 2021. Collection method: clinical testing. Allele origin: germline. Affected: yes.
Comment: Not observed in large population cohorts (Lek et al., 2016); In silico analysis, which includes protein predictors and evolutionary conservation, supports that this variant does not alter protein structure/function; Has not been previously published as pathogenic or benign to our knowledge

NM_000426.4(LAMA2):c.8759C>T (p.Ala2920Val)

Gene: LAMA2 (laminin subunit alpha 2; plus strand). Cytogenetic location: 6q22.33.
Variant type: single nucleotide variant.
Coding change: c.8759C>T on transcript NM_000426.4 (MANE Select); coding-DNA position 8759, C replaced by T.
Protein change: p.Ala2920Val; replaces alanine 2920 with valine.
Molecular consequence: missense variant.
Genome position (GRCh38, 1-based): chr6:129,507,544, C>T. VCF-style: chr6-129507544-C-T. GRCh37 (hg19) VCF-style: chr6-129828689-C-T.
Other names: c.8747C>T, p.Ala2916Val (NM_001079823.2); short protein forms A2916V, A2920V.
Identifiers: ClinVar variation 1305929 (VCV001305929.5), dbSNP rs757583844, ClinGen allele CA146925626.